The following is an entry in ClinVar:

ClinVar aggregate classification (germline): Uncertain significance (1 of 4 stars; one submission).

Allele frequency attached by ClinVar (database versions not stated): gnomAD exomes 0.00001.

Submission:

Labcorp Genetics (formerly Invitae), Labcorp
Classification: Uncertain significance. Last evaluated: 2022-10-24. Review status: criteria provided, single submitter. Criteria: Invitae Variant Classification Sherloc (09022015). Collection method: clinical testing. Allele origin: germline.
Comment: This sequence change replaces leucine, which is neutral and non-polar, with phenylalanine, which is neutral and non-polar, at codon 19 of the FZD4 protein (p.Leu19Phe). In summary, the available evidence is currently insufficient to determine the role of this variant in disease. Therefore, it has been classified as a Variant of Uncertain Significance. Advanced modeling of protein sequence and biophysical properties (such as structural, functional, and spatial information, amino acid conservation, physicochemical variation, residue mobility, and thermodynamic stability) performed at Invitae indicates that this missense variant is not expected to disrupt FZD4 protein function. This variant has not been reported in the literature in individuals affected with FZD4-related conditions. This variant is not present in population databases (gnomAD no frequency).

NM_012193.4(FZD4):c.55C>T (p.Leu19Phe)

Gene: FZD4 (frizzled class receptor 4; minus strand). Cytogenetic location: 11q14.2.
Variant type: single nucleotide variant.
Coding change: c.55C>T on transcript NM_012193.4 (MANE Select); coding-DNA position 55, C replaced by T.
Protein change: p.Leu19Phe; replaces leucine 19 with phenylalanine.
Molecular consequence: missense variant.
Genome position (GRCh38, 1-based): chr11:86,955,031, G>A on the plus strand (C>T on the coding strand, the complement: FZD4 is on the minus strand). VCF-style: chr11-86955031-G-A. GRCh37 (hg19) VCF-style: chr11-86666073-G-A.
Other names: short protein forms L19F.
Identifiers: ClinVar variation 1992873 (VCV001992873.4), dbSNP rs1949324618, ClinGen allele CA382018598.
Genomic context (GRCh38, chr11:86,955,031, plus strand): 5'-CCCCGAAGCCCCGCGCCGGCCCCAGGAGCAGCAGCAACTGCAGGAGCAACCCCAGACTGA[G>A]ACCGACGCCCCCGGGCGCCCCCGGGACGCTCGGCCCTGCGCCCCGCCAGGCCATGGCCAG-3'
Protein context (NP_036325.2, residues 9-29): SVPGAPGGVG[Leu19Phe]SLGLLLQLLL